The following is an entry in ClinVar:

NM_016169.4(SUFU):c.112T>C (p.Tyr38His)

Gene: SUFU (SUFU negative regulator of hedgehog signaling; plus strand). Cytogenetic location: 10q24.32.
Variant type: single nucleotide variant.
Coding change: c.112T>C on transcript NM_016169.4 (MANE Select); coding-DNA position 112, T replaced by C.
Protein change: p.Tyr38His; replaces tyrosine 38 with histidine.
Molecular consequence: missense variant.
Genome position (GRCh38, 1-based): chr10:102,504,264, T>C. VCF-style: chr10-102504264-T-C. GRCh37 (hg19) VCF-style: chr10-104264021-T-C.
Other names: c.112T>C, p.Tyr38His (NM_001178133.2); short protein forms Y38H.
Identifiers: ClinVar variation 1728040 (VCV001728040.2), dbSNP rs2544831280, ClinGen allele CA377886511.
Genomic context (GRCh38, chr10:102,504,264, plus strand): 5'-CCTGGCCCGACTGCCCCCCCGGCCTTCGCTTCGCTCTTTCCCCCGGGACTGCACGCCATC[T>C]ACGGAGAGTGCCGCCGCCTTTACCCTGACCAGCCGAACCCGCTCCAGGTTACCGCTATCG-3'
Protein context (NP_057253.2, residues 28-48): SLFPPGLHAI[Tyr38His]GECRRLYPDQ

ClinVar aggregate classification (germline): Uncertain significance (1 of 4 stars; one submission).

Conditions:
Hereditary cancer-predisposing syndrome. Also called: Tumor predisposition; Neoplastic Syndromes, Hereditary; Hereditary Cancer Syndrome; Hereditary neoplastic syndrome. Identifiers: Orphanet 140162, MedGen C0027672, MeSH D009386, MONDO:0015356.

Submission:

Ambry Genetics
Classification: Uncertain significance for Hereditary cancer-predisposing syndrome. Last evaluated: 2022-10-01. Review status: criteria provided, single submitter. Criteria: Ambry Variant Classification Scheme 2023. Collection method: clinical testing. Allele origin: germline.
Comment: The p.Y38H variant (also known as c.112T>C), located in coding exon 1 of the SUFU gene, results from a T to C substitution at nucleotide position 112. The tyrosine at codon 38 is replaced by histidine, an amino acid with similar properties. This amino acid position is conserved. In addition, the in silico prediction for this alteration is inconclusive. Since supporting evidence is limited at this time, the clinical significance of this alteration remains unclear.